The following is an entry in ClinVar:

ClinVar aggregate classification (germline): Pathogenic. Review status: criteria provided, multiple submitters, no conflicts (2 of 4 stars). 2 submissions from 2 submitters: Pathogenic (2). Last evaluated 2024-04-16.

Conditions:
Hereditary cancer-predisposing syndrome. Also called: Tumor predisposition; Hereditary Cancer Syndrome; Hereditary neoplastic syndrome; Neoplastic Syndromes, Hereditary. Identifiers: Orphanet 140162, MedGen C0027672, MeSH D009386, MONDO:0015356.
Hereditary pheochromocytoma and paraganglioma. Also called: Hereditary paragangliomas and pheochromocytomas; Hereditary Paraganglioma-Pheochromocytoma Syndromes; Hereditary pheochromocytoma-paraganglioma. Identifiers: Orphanet 29072, MedGen C4274332, MONDO:0017366.

Submissions (2):

Labcorp Genetics (formerly Invitae), Labcorp
Classification: Pathogenic for Hereditary pheochromocytoma and paraganglioma. Last evaluated: 2024-04-16. Review status: criteria provided, single submitter. Criteria: Invitae Variant Classification Sherloc (09022015). Collection method: clinical testing. Allele origin: germline.
Comment: This sequence change affects a donor splice site in intron 4 of the MAX gene. RNA analysis indicates that disruption of this splice site induces altered splicing and likely disrupts the C-terminus of the protein. This variant is not present in population databases (gnomAD no frequency). Disruption of this splice site has been observed in individuals with pheochromocytoma and paraganglioma (PMID: 21685915, 22452945). ClinVar contains an entry for this variant (Variation ID: 1458939). Variants that disrupt the consensus splice site are a relatively common cause of aberrant splicing (PMID: 17576681, 9536098). Studies have shown that disruption of this splice site results in skipping of exon 4 and introduces a new termination codon (PMID: 21685915). However the mRNA is not expected to undergo nonsense-mediated decay. This variant disrupts the C-terminal domain of the MAX protein, which is essential for protein localization to the nucleus and suppression of MYC transactivation activity (PMID: 1459463, 1730412, 7630640). While functional studies have not been performed to directly test the effect of this variant on MAX protein function, this suggests that disruption of this region of the protein is causative of disease. For these reasons, this variant has been classified as Pathogenic.

Ambry Genetics
Classification: Pathogenic for Hereditary cancer-predisposing syndrome. Last evaluated: 2021-07-24. Review status: criteria provided, single submitter. Criteria: Ambry Variant Classification Scheme 2023. Collection method: clinical testing. Allele origin: germline.
Comment: The c.295+1G>T intronic pathogenic mutation results from a G to T substitution one nucleotide after coding exon 4 of the MAX gene. This alteration occurs at the 3' terminus of the MAX gene, is not expected to trigger nonsense-mediated mRNA decay, and only impacts the last 103 amino acids of the protein. The exact functional effect of this alteration is unknown; however, and a significant portion of the protein is affected (Ambry internal data). This alteration has been reported in an individual affected with bilateral pheochromocytoma and a paraganglioma whose tumor demonstrated loss of heterozygosity and absence of MAX protein staining by immunohistochemistry (Burnichon N et al. Clin Cancer Res, 2012 May;18:2828-37). In addition, RT-PCR analysis revealed that the c.295+1G>A allele was associated with complete skipping of exon 4 in tumor cDNA (Comino-M&eacute;ndez I et al. Nat. Genet. 2011 Jul; 43(7):663-7). The c.295+1G>T variant is considered to be rare based on population cohorts in the Genome Aggregation Database (gnomAD). In silico splice site analysis predicts that this alteration will weaken the native splice donor site and may result in the creation or strengthening of a novel splice donor site. Based on the supporting evidence, this alteration is interpreted as a disease-causing mutation.

Literature cited by the submitters: PubMed 21685915 (cited by Labcorp Genetics (formerly Invitae), Labcorp); PubMed 22452945 (cited by Labcorp Genetics (formerly Invitae), Labcorp and Ambry Genetics); PubMed 17576681 (cited by Labcorp Genetics (formerly Invitae), Labcorp); PubMed 9536098 (cited by Labcorp Genetics (formerly Invitae), Labcorp); PubMed 1459463 (cited by Labcorp Genetics (formerly Invitae), Labcorp); PubMed 1730412 (cited by Labcorp Genetics (formerly Invitae), Labcorp); PubMed 7630640 (cited by Labcorp Genetics (formerly Invitae), Labcorp).

NM_002382.5(MAX):c.295+1G>T

Gene: MAX (MYC associated transcriptional regulator X; minus strand). Cytogenetic location: 14q23.3.
Variant type: single nucleotide variant.
Coding change: c.295+1G>T on transcript NM_002382.5 (MANE Select); the canonical splice donor site of the intron after coding-DNA position 295, G replaced by T.
Molecular consequence: splice donor variant. On other transcripts: intron variant (2).
Genome position (GRCh38, 1-based): chr14:65,077,912, C>A on the plus strand (G>T on the coding strand, the complement: MAX is on the minus strand). VCF-style: chr14-65077912-C-A. GRCh37 (hg19) VCF-style: chr14-65544630-C-A.
Other names: c.144+15796G>T (NM_001271069.2); c.171+15796G>T (NM_197957.4); c.-73+1G>T (NM_001407112.1, NM_001407111.1); c.21+1G>T (NM_001407106.1, NM_001407107.1, NM_001320415.2 and 1 more transcripts); c.268+1G>T (NM_001407095.1, NM_001407110.1, NM_001407102.1 and 6 more transcripts); c.295+1G>T (NM_001407094.1, NM_001407104.1, NM_001407103.1 and 3 more transcripts); c.187+1G>T (NM_001407098.1).
Identifiers: ClinVar variation 1458939 (VCV001458939.10), dbSNP rs786203385, ClinGen allele CA390034140.
Genomic context (GRCh38, chr14:65,077,912, plus strand): 5'-CCAAAGCCTGACCTGGCTGGAGCACAGCAGGGCCAGCTGCCCCACGAGCTCGGGTGCTCA[C>A]CTTGCTGCTCCAGAAGAGCATTCTGCCGCTTGAGGTCGTCAATATCTTGCTGGTGTGTGT-3'